The following is an entry in ClinVar:

ClinVar aggregate classification (germline): Conflicting classifications of pathogenicity. Review status: criteria provided, conflicting classifications (1 of 4 stars). 2 submissions from 2 submitters: Uncertain significance (1); Likely benign (1). Last evaluated 2025-10-24.

Allele frequency attached by ClinVar (database versions not stated): ExAC 0.00002; gnomAD exomes 0.00003; gnomAD 0.00004; TOPMed 0.00006.
gnomAD v4.1: 44 of 1,613,954 alleles (0.0027%); highest among the groups gnomAD compares: Admixed American, 0.0083%; no homozygotes.

Submissions (2):

Labcorp Genetics (formerly Invitae), Labcorp
Classification: Likely benign. Last evaluated: 2025-10-24. Review status: criteria provided, single submitter. Criteria: Invitae Variant Classification Sherloc (09022015). Collection method: clinical testing. Allele origin: germline.

GeneDx
Classification: Uncertain significance. Last evaluated: 2024-12-12. Review status: criteria provided, single submitter. Criteria: GeneDx Variant Classification Process June 2021. Collection method: clinical testing. Allele origin: germline. Affected: yes.
Comment: Not observed at significant frequency in large population cohorts (gnomAD); Has not been previously published as pathogenic or benign to our knowledge; In silico analysis suggests this variant may impact gene splicing. In the absence of RNA/functional studies, the actual effect of this sequence change is unknown.

NM_002972.4(SBF1):c.4678C>T (p.Leu1560=)

Gene: SBF1 (SET binding factor 1; minus strand). Cytogenetic location: 22q13.33.
Variant type: single nucleotide variant.
Coding change: c.4678C>T on transcript NM_002972.4 (MANE Select); coding-DNA position 4678, C replaced by T.
Protein change: p.Leu1560=; no amino-acid change (leucine 1560 retained).
Molecular consequence: synonymous variant.
Genome position (GRCh38, 1-based): chr22:50,455,019, G>A on the plus strand (C>T on the coding strand, the complement: SBF1 is on the minus strand). VCF-style: chr22-50455019-G-A. GRCh37 (hg19) VCF-style: chr22-50893448-G-A.
Other names: c.4678C>T (NM_002972.2); c.4603C>T, p.Leu1535= (NM_001365819.1); c.4681C>T, p.Leu1561= (NM_001410794.1); c.4600C>T, p.Leu1534= (NM_001410795.1); c.4678C>T, p.Leu1560= (NM_197971.1).
Identifiers: ClinVar variation 1990201 (VCV001990201.5), dbSNP rs749208355, ClinGen allele CA10316174.